The following is an entry in ClinVar:

NM_000760.4(CSF3R):c.2041-97T>G

Gene: CSF3R (colony stimulating factor 3 receptor; minus strand). Cytogenetic location: 1p34.3.
Variant type: single nucleotide variant.
Coding change: c.2041-97T>G on transcript NM_000760.4 (MANE Select); 97 bases into the intron before coding-DNA position 2041, T replaced by G.
Molecular consequence: intron variant.
Genome position (GRCh38, 1-based): chr1:36,466,924, A>C on the plus strand (T>G on the coding strand, the complement: CSF3R is on the minus strand). VCF-style: chr1-36466924-A-C. GRCh37 (hg19) VCF-style: chr1-36932525-A-C.
Other names: NC_000001.10:g.36932525A>C; c.2041-16T>G (NM_156039.3); c.2041-97T>G (NM_172313.3).
Identifiers: ClinVar variation 4423994 (VCV004423994.2).

ClinVar aggregate classification (germline): Benign (1 of 4 stars; one submission).

gnomAD v4.1: 377 of 1,613,162 alleles (0.023%); highest among the groups gnomAD compares: African/African-American, 0.44%; 3 homozygotes.

Submissions (2):

Women's Health and Genetics/Laboratory Corporation of America, LabCorp
Classification: Benign. Last evaluated: 2026-05-14. Review status: criteria provided, single submitter. Criteria: LabCorp Variant Classification Summary - May 2015. Collection method: clinical testing. Allele origin: germline.
Comment: Variant summary: CSF3R c.2041-16T>G alters a nucleotide located at a position not widely known to affect splicing. Several computational tools predict a significant impact on normal splicing: Four predict the variant creates a 5' donor site. However, these predictions have yet to be confirmed by functional studies. The variant allele was found at a frequency of 0.00035 in 243412 control chromosomes, predominantly at a frequency of 0.0051 within the African or African-American subpopulation in the gnomAD database. The observed variant frequency within African or African-American control individuals in the gnomAD database exceeds the estimated maximal expected allele frequency for disease-causing variants in CSF3R. To our knowledge, no occurrence of c.2041-16T>G in individuals affected with CSF3R-related conditions and no experimental evidence demonstrating its impact on protein function have been reported. No submitters have cited clinical-significance assessments for this variant to ClinVar. Based on the evidence outlined above, the variant was classified as benign.

Dr. Peter K. Rogan Lab, Western University
No classification provided (evidence only). Condition: Ovarian serous cystadenocarcinoma. Review status: no classification provided. Collection method: in vitro. Allele origin: not applicable. Functional consequence: retained intron. Not counted in ClinVar's aggregate classification.

Literature cited by the submitters: PubMed 23896413 (cited by Women's Health and Genetics/Laboratory Corporation of America, LabCorp); PubMed 28302714 (cited by Women's Health and Genetics/Laboratory Corporation of America, LabCorp); PubMed 24627528 (cited by Women's Health and Genetics/Laboratory Corporation of America, LabCorp); PubMed 23656643 (cited by Women's Health and Genetics/Laboratory Corporation of America, LabCorp); PubMed 23604229 (cited by Women's Health and Genetics/Laboratory Corporation of America, LabCorp); PubMed 27069254 (cited by Women's Health and Genetics/Laboratory Corporation of America, LabCorp).